The following is an entry in ClinVar:

NM_012295.4(CABIN1):c.2749-3C>T

Gene: CABIN1 (calcineurin binding protein 1; plus strand). Cytogenetic location: 22q11.23.
Variant type: single nucleotide variant.
Coding change: c.2749-3C>T on transcript NM_012295.4 (MANE Select); 3 bases into the intron before coding-DNA position 2749, C replaced by T.
Molecular consequence: intron variant.
Genome position (GRCh38, 1-based): chr22:24,083,225, C>T. VCF-style: chr22-24083225-C-T. GRCh37 (hg19) VCF-style: chr22-24479178-C-T.
Other names: NC_000022.10:g.24479178C>T; c.2599-3C>T (NM_001201429.2); c.2749-3C>T (NM_001199281.1, NM_012295.3).
Identifiers: ClinVar variation 2652981 (VCV002652981.26), dbSNP rs149965767, ClinGen allele CA10149002.

ClinVar aggregate classification (germline): Likely benign. Review status: criteria provided, single submitter (1 of 4 stars). 2 submissions from 2 submitters: Likely benign (1). 1 of the submissions does not count toward it. Last evaluated 2023-03-01.

Conditions:
CABIN1-related disorder. Also called: CABIN1-related condition.

Allele frequency attached by ClinVar (database versions not stated): 1000 Genomes Project 30x 0.00172; 1000 Genomes Project 0.00200; ExAC 0.00342; TOPMed 0.00366; gnomAD 0.00381; ESP Exome Variant Server 0.00438; gnomAD exomes 0.00515.
gnomAD v4.1: 8,067 of 1,612,144 alleles (0.5%); highest among the groups gnomAD compares: Non-Finnish European, 0.58%; 31 homozygotes.

Submissions (5):

CeGaT Center for Human Genetics Tuebingen
Classification: Likely benign. Last evaluated: 2023-03-01. Review status: criteria provided, single submitter. Criteria: CeGaT Center For Human Genetics Tuebingen Variant Classification Criteria Version 2. Collection method: clinical testing. Allele origin: germline. Affected: yes. Observed: 1 variant allele.
Comment: CABIN1: BP4, BS2

PreventionGenetics, part of Exact Sciences
Classification: Likely benign for CABIN1-related condition. Last evaluated: 2019-03-21. Review status: no assertion criteria provided. Collection method: clinical testing. Allele origin: germline. Not counted in ClinVar's aggregate classification.
Comment: This variant is classified as likely benign based on ACMG/AMP sequence variant interpretation guidelines (Richards et al. 2015 PMID: 25741868, with internal and published modifications).

Dr. Peter K. Rogan Lab, Western University
No classification provided (evidence only). Condition: Acute myeloid leukemia. Review status: no classification provided. Collection method: in vitro. Allele origin: not applicable. Functional consequence: retained intron. Not counted in ClinVar's aggregate classification.

Dr. Peter K. Rogan Lab, Western University
No classification provided (evidence only). Condition: Cervical cancer. Review status: no classification provided. Collection method: in vitro. Allele origin: not applicable. Functional consequence: retained intron. Not counted in ClinVar's aggregate classification.

Dr. Peter K. Rogan Lab, Western University
No classification provided (evidence only). Condition: Malignant tumor of esophagus. Review status: no classification provided. Collection method: in vitro. Allele origin: not applicable. Functional consequence: retained intron. Not counted in ClinVar's aggregate classification.